The following is an entry in ClinVar:

NM_152419.3(HGSNAT):c.416dup (p.Asn141fs)

Gene: HGSNAT (heparan-alpha-glucosaminide N-acetyltransferase; plus strand). Cytogenetic location: 8p11.21.
Variant type: Duplication.
Coding change: c.416dup on transcript NM_152419.3 (MANE Select); coding-DNA position 416, one base duplicated (T; older notation c.416dupT).
Protein change: p.Asn141fs; shifts the reading frame from asparagine 141.
Molecular consequence: frameshift variant. On other transcripts: 5 prime UTR variant (1).
Genome position (GRCh38, 1-based): chr8:43,158,967, T duplicated. VCF-style (leftmost placement, unchanged base first): chr8-43158966-G-GT. GRCh37 (hg19) VCF-style: chr8-43014109-G-GT.
Other names: c.416dup, p.Asn141fs (NM_001363227.2, NM_001363228.2); c.-418dup (NM_001363229.2); short protein forms N141fs.
Identifiers: ClinVar variation 2629318 (VCV002629318.2), dbSNP rs2486908416, ClinGen allele CA2695199725.

ClinVar aggregate classification (germline): Pathogenic/Likely pathogenic. Review status: criteria provided, multiple submitters, no conflicts (2 of 4 stars). 2 submissions from 2 submitters: Pathogenic (1); Likely pathogenic (1). Last evaluated 2025-03-25.

Conditions:
HGSNAT-related disorder. Also called: HGSNAT-related condition.
Mucopolysaccharidosis, MPS-III-C (MPS3C). Also called: SANFILIPPO SYNDROME C; MPS III C; Mucopolysaccharidosis type IIIC (Sanfilippo C); mucopolysaccharidosis type 3C; MUCOPOLYSACCHARIDOSIS, TYPE IIIC; MPS IIIC (Sanfilippo Syndrome Type C). Identifiers: Orphanet 581, Orphanet 79271, MedGen C0086649, MONDO:0009657, OMIM 252930.
Retinitis pigmentosa 73 (RP73). Identifiers: Orphanet 791, MedGen C4225287, MONDO:0014687, OMIM 616544.

Submissions (2):

Labcorp Genetics (formerly Invitae), Labcorp
Classification: Pathogenic for Retinitis pigmentosa 73; Mucopolysaccharidosis, MPS-III-C. Last evaluated: 2025-03-25. Review status: criteria provided, single submitter. Criteria: Invitae Variant Classification Sherloc (09022015). Collection method: clinical testing. Allele origin: germline.
Comment: This sequence change creates a premature translational stop signal (p.Asn141Glufs*4) in the HGSNAT gene. It is expected to result in an absent or disrupted protein product. Loss-of-function variants in HGSNAT are known to be pathogenic (PMID: 17033958, 19479962, 25859010). This variant is not present in population databases (gnomAD no frequency). This variant has not been reported in the literature in individuals affected with HGSNAT-related conditions. ClinVar contains an entry for this variant (Variation ID: 2629318). For these reasons, this variant has been classified as Pathogenic.

PreventionGenetics, part of Exact Sciences
Classification: Likely pathogenic for HGSNAT-related condition. Last evaluated: 2023-08-30. Review status: criteria provided, single submitter. Criteria: ACMG Guidelines, 2015. Collection method: clinical testing. Allele origin: germline.
Comment: The HGSNAT c.416dupT variant is predicted to result in a frameshift and premature protein termination (p.Asn141Glufs*4). To our knowledge, this variant has not been reported in the literature or in a large population database, indicating this variant is rare. Frameshift variants in HGSNAT are expected to be pathogenic. This variant is interpreted as likely pathogenic.

Literature cited by the submitters: PubMed 17033958 (cited by Labcorp Genetics (formerly Invitae), Labcorp); PubMed 19479962 (cited by Labcorp Genetics (formerly Invitae), Labcorp); PubMed 25859010 (cited by Labcorp Genetics (formerly Invitae), Labcorp).